The following is an entry in ClinVar:

NM_176824.3(BBS7):c.1235A>G (p.Asp412Gly)

Gene: BBS7 (Bardet-Biedl syndrome 7; minus strand). Cytogenetic location: 4q27.
Variant type: single nucleotide variant.
Coding change: c.1235A>G on transcript NM_176824.3 (MANE Select); coding-DNA position 1235, A replaced by G.
Protein change: p.Asp412Gly; replaces aspartic acid 412 with glycine.
Molecular consequence: missense variant.
Genome position (GRCh38, 1-based): chr4:121,843,997, T>C on the plus strand (A>G on the coding strand, the complement: BBS7 is on the minus strand). VCF-style: chr4-121843997-T-C. GRCh37 (hg19) VCF-style: chr4-122765152-T-C.
Other names: c.1235A>G, p.Asp412Gly (NM_018190.4); short protein forms D412G.
Identifiers: ClinVar variation 531839 (VCV000531839.59), dbSNP rs111442398, ClinGen allele CA3064285.
Genomic context (GRCh38, chr4:121,843,997, plus strand): 5'-CAGCTGCTAAAGCTAACAACAGCAGAATTTTTATCCACATCAAGTAAATCTATTGGAACA[T>C]CACTCTATAGTCAATATTAAAAAAAAAGAAGGTTGAGATGGAAAACCTAAAAATGTTCAT-3'
Protein context (NP_789794.1, residues 402-422): TAIDNVLIQS[Asp412Gly]VPIDLLDVDK

ClinVar aggregate classification (germline): Conflicting classifications of pathogenicity. Review status: criteria provided, conflicting classifications (1 of 4 stars). 7 submissions from 7 submitters: Uncertain significance (4); Likely benign (3). Last evaluated 2026-02-02.

Conditions:
Bardet-Biedl syndrome (BBS). Identifiers: Orphanet 110, MedGen C0752166, MONDO:0015229.
Bardet-Biedl syndrome 7 (BBS7). Identifiers: Orphanet 110, MedGen C1859565, MONDO:0014435, OMIM 615984.
BBS7-related ciliopathy. Identifiers: MedGen CN378628, MONDO:1040042.
Retinal dystrophy. Also called: Inherited retinal dystrophy. Identifiers: Orphanet 71862, MedGen C0854723, MeSH D058499, MONDO:0019118, HP:0000556.

Allele frequency attached by ClinVar (database versions not stated): 1000 Genomes Project 0.00040; 1000 Genomes Project 30x 0.00078; gnomAD 0.00147 and 0.00154; gnomAD exomes 0.00149 and 0.00208; TOPMed 0.00164; ESP Exome Variant Server 0.00169; ExAC 0.00221.
gnomAD v4.1: 3,190 of 1,584,246 alleles (0.2%); highest among the groups gnomAD compares: Non-Finnish European, 0.24%; 4 homozygotes.

Submissions (7):

Labcorp Genetics (formerly Invitae), Labcorp
Classification: Likely benign for Bardet-Biedl syndrome. Last evaluated: 2026-02-02. Review status: criteria provided, single submitter. Criteria: Invitae Variant Classification Sherloc (09022015). Collection method: clinical testing. Allele origin: germline.

Blueprint Genetics
Classification: Likely benign. Last evaluated: 2024-11-15. Review status: criteria provided, single submitter. Criteria: ACMG Guidelines, 2015. Collection method: clinical testing. Allele origin: germline.

GeneDx
Classification: Uncertain significance. Last evaluated: 2023-10-16. Review status: criteria provided, single submitter. Criteria: GeneDx Variant Classification Process June 2021. Collection method: clinical testing. Allele origin: germline. Affected: yes.
Comment: In silico analysis supports that this missense variant has a deleterious effect on protein structure/function; Reported in the heterozygous state in a patient with retinal dystrophy, postaxial polydactyly, and intellectual disability who also harbored a homozgyous variant in the BBS1 gene (Perea-Romero et al., 2022); This variant is associated with the following publications: (PMID: 25533962, 31376382, 35835773)

CeGaT Center for Human Genetics Tuebingen
Classification: Uncertain significance. Last evaluated: 2022-05-01. Review status: criteria provided, single submitter. Criteria: CeGaT Center For Human Genetics Tuebingen Variant Classification Criteria Version 2. Collection method: clinical testing. Allele origin: germline. Affected: yes. Observed: 2 variant alleles.
Comment: BBS7: PP3

Institute of Human Genetics, Univ. Regensburg, Univ. Regensburg
Classification: Uncertain significance for Retinal dystrophy. Last evaluated: 2022-01-01. Review status: criteria provided, single submitter. Criteria: ACMG Guidelines, 2015. Collection method: clinical testing. Allele origin: germline. Affected: yes.

Department of Pathology and Laboratory Medicine, Sinai Health System
Classification: Likely benign for BBS7-related ciliopathy. Last evaluated: 2020-08-26. Review status: criteria provided, single submitter. Criteria: ACMG Guidelines, 2015. Collection method: research. Allele origin: germline.

Illumina Laboratory Services, Illumina
Classification: Uncertain significance for Bardet-Biedl syndrome 7. Last evaluated: 2017-04-27. Review status: criteria provided, single submitter. Criteria: ICSL Variant Classification Criteria 13 December 2019. Collection method: clinical testing. Allele origin: germline.

Literature cited by the submitters: PubMed 25533962 (cited by Institute of Human Genetics, Univ. Regensburg, Univ. Regensburg); PubMed 31376382 (cited by Institute of Human Genetics, Univ. Regensburg, Univ. Regensburg); PubMed 35835773 (cited by Institute of Human Genetics, Univ. Regensburg, Univ. Regensburg).